The following is an entry in ClinVar:

NM_001109878.2(TBX22):c.-23A>G

Gene: TBX22 (T-box transcription factor 22). Cytogenetic location: Xq21.1.
Variant type: single nucleotide variant.
Coding change: c.-23A>G on transcript NM_001109878.2 (MANE Select); 23 bases upstream of the start codon, A replaced by G.
Molecular consequence: 5 prime UTR variant.
Genome position (GRCh38, 1-based): chrX:80,014,867, A>G. VCF-style: chrX-80014867-A-G. GRCh37 (hg19) VCF-style: chrX-79270366-A-G.
Other names: c.-379A>G (NM_001109879.2).
Identifiers: ClinVar variation 368662 (VCV000368662.5), dbSNP rs147593294, ClinGen allele CA10654063.

ClinVar aggregate classification (germline): Likely benign (1 of 4 stars; one submission).

Conditions:
Cleft palate with or without ankyloglossia, X-linked. Identifiers: Orphanet 324601, MedGen C1844830, MONDO:0010560, OMIM 303400.

Allele frequency attached by ClinVar (database versions not stated): gnomAD 0.00267 and 0.00280; TOPMed 0.00333; 1000 Genomes Project 0.00397; 1000 Genomes Project 30x 0.00416.

Submission:

Illumina Laboratory Services, Illumina
Classification: Likely benign for Cleft palate with or without ankyloglossia, X-linked. Last evaluated: 2018-01-12. Review status: criteria provided, single submitter. Criteria: ICSL Variant Classification Criteria 13 December 2019. Collection method: clinical testing. Allele origin: germline.
Comment: This variant was observed in the ICSL laboratory as part of a predisposition screen in an ostensibly healthy population. It had not been previously curated by ICSL or reported in the Human Gene Mutation Database (HGMD: prior to June 1st, 2018), and was therefore a candidate for classification through an automated scoring system. Utilizing variant allele frequency, disease prevalence and penetrance estimates, and inheritance mode, an automated score was calculated to assess if this variant is too frequent to cause the disease. Based on the score and internal cut-off values, a variant classified as likely benign is not then subjected to further curation. The score for this variant resulted in a classification of likely benign for this disease.